The following is an entry in ClinVar:

ClinVar aggregate classification (germline): Conflicting classifications of pathogenicity. Review status: criteria provided, conflicting classifications (1 of 4 stars). 4 submissions from 4 submitters: Uncertain significance (3); Likely benign (1). Last evaluated 2025-04-24.

Conditions:
Inborn genetic diseases. Identifiers: MedGen C0950123, MeSH D030342.

Allele frequency attached by ClinVar (database versions not stated): gnomAD 0.00002; gnomAD exomes 0.00002; TOPMed 0.00002; ExAC 0.00003; ESP Exome Variant Server 0.00008.
gnomAD v4.1: 26 of 1,613,036 alleles (0.0016%); highest among the groups gnomAD compares: South Asian, 0.0066%; 1 homozygote.

Submissions (4):

Labcorp Genetics (formerly Invitae), Labcorp
Classification: Uncertain significance. Last evaluated: 2025-04-24. Review status: criteria provided, single submitter. Criteria: Invitae Variant Classification Sherloc (09022015). Collection method: clinical testing. Allele origin: germline.
Comment: This sequence change replaces arginine, which is basic and polar, with histidine, which is basic and polar, at codon 524 of the COL9A3 protein (p.Arg524His). The frequency data for this variant in the population databases is considered unreliable, as metrics indicate poor data quality at this position in the gnomAD database. This variant has not been reported in the literature in individuals affected with COL9A3-related conditions. ClinVar contains an entry for this variant (Variation ID: 284047). Invitae Evidence Modeling of protein sequence and biophysical properties (such as structural, functional, and spatial information, amino acid conservation, physicochemical variation, residue mobility, and thermodynamic stability) indicates that this missense variant is not expected to disrupt COL9A3 protein function with a negative predictive value of 95%. In summary, the available evidence is currently insufficient to determine the role of this variant in disease. Therefore, it has been classified as a Variant of Uncertain Significance.

Ambry Genetics
Classification: Likely benign for Inborn genetic diseases. Last evaluated: 2025-04-09. Review status: criteria provided, single submitter. Criteria: Ambry Variant Classification Scheme 2023. Collection method: clinical testing. Allele origin: germline.

GeneDx
Classification: Uncertain significance. Last evaluated: 2024-12-19. Review status: criteria provided, single submitter. Criteria: GeneDx Variant Classification Process June 2021. Collection method: clinical testing. Allele origin: germline. Affected: yes.
Comment: Has not been previously published as pathogenic or benign to our knowledge; In silico analysis indicates that this missense variant does not alter protein structure/function

Eurofins Ntd Llc (ga)
Classification: Uncertain significance. Last evaluated: 2016-06-30. Review status: criteria provided, single submitter. Criteria: EGL Classification Definitions 2015. Collection method: clinical testing. Allele origin: germline. Observed: 2 variant alleles, 2 heterozygotes.

NM_001853.4(COL9A3):c.1571G>A (p.Arg524His)

Genes: COL9A3 (collagen type IX alpha 3 chain; plus strand), LOC126863084 (MED14-independent group 3 enhancer GRCh37_chr20:61467141-61468340; plus strand). Cytogenetic location: 20q13.33.
Variant type: single nucleotide variant.
Coding change: c.1571G>A on transcript NM_001853.4 (MANE Select); coding-DNA position 1571, G replaced by A.
Protein change: p.Arg524His; replaces arginine 524 with histidine.
Molecular consequence: missense variant.
Genome position (GRCh38, 1-based): chr20:62,836,500, G>A. VCF-style: chr20-62836500-G-A. GRCh37 (hg19) VCF-style: chr20-61467852-G-A.
Other names: c.1571G>A, p.Arg524His (LRG_1253t1); c.1571G>A (NM_001853.3); short protein forms R524H.
Identifiers: ClinVar variation 284047 (VCV000284047.14), dbSNP rs373382239, ClinGen allele CA9950072.